The following is an entry in ClinVar:

NM_020911.2(PLXNA4):c.4944A>G (p.Gly1648=)

Gene: PLXNA4 (plexin A4; minus strand). Cytogenetic location: 7q32.3.
Variant type: single nucleotide variant.
Coding change: c.4944A>G on transcript NM_020911.2 (MANE Select); coding-DNA position 4944, A replaced by G.
Protein change: p.Gly1648=; no amino-acid change (glycine 1648 retained).
Molecular consequence: synonymous variant.
Genome position (GRCh38, 1-based): chr7:132,146,621, T>C on the plus strand (A>G on the coding strand, the complement: PLXNA4 is on the minus strand). VCF-style: chr7-132146621-T-C. GRCh37 (hg19) VCF-style: chr7-131831380-T-C.
Other names: c.4944A>G, p.Gly1648= (NM_001393897.1).
Identifiers: ClinVar variation 4993054 (VCV004993054.1).

ClinVar aggregate classification (germline): Likely benign (1 of 4 stars; one submission).

Conditions:
PLXNA4-related disorder. Also called: PLXNA4-related condition.

Submission:

PreventionGenetics, part of Exact Sciences
Classification: Likely benign for PLXNA4-related condition. Last evaluated: 2026-03-22. Review status: criteria provided, single submitter. Criteria: ACMG Guidelines, 2015. Collection method: clinical testing. Allele origin: germline.
Comment: This variant is classified as likely benign based on ACMG/AMP sequence variant interpretation guidelines (Richards et al. 2015 PMID: 25741868, with internal and published modifications).